The following is an entry in ClinVar:

NM_002470.4(MYH3):c.464TCT[1] (p.Phe156del)

Gene: MYH3 (myosin heavy chain 3; minus strand). Cytogenetic location: 17p13.1.
Variant type: Microsatellite.
Coding change: c.464TCT[1] on transcript NM_002470.4 (MANE Select); one copy of the 3-base unit TCT starting at c.464; the reference has two copies in a row; one copy, 3 bases deleted; also written c.467_469del.
Protein change: p.Phe156del; deletes phenylalanine 156.
Molecular consequence: inframe deletion.
Genome position (GRCh38, 1-based): chr17:10,651,548-10,651,550, AGA deleted on the plus strand (TCT on the coding strand, the reverse complement: MYH3 is on the minus strand); deleting any 3 consecutive bases within chr17:10,651,548-10,651,553 gives the same sequence; the position shown is the placement nearest the transcript's 3' end. VCF-style (leftmost placement, unchanged base first): chr17-10651547-GAGA-G. GRCh37 (hg19) VCF-style: chr17-10554864-GAGA-G.
Other names: c.467_469del (NM_002470.4); short protein forms F156del.
Identifiers: ClinVar variation 4856916 (VCV004856916.2).
Genomic context (GRCh38, chr17:10,651,547, plus strand): 5'-CCATGCTTCCTCCTGGGAAACTCACCAGTCAGCATGAACTGATAGGCGTTGTCAGAGATG[GAGA>G]AGATGTGGGGTGGGGCCTCCTGGCGCTTTTTGCCTCGGTAGCCTTCCACCACCTCGGGGT-3'

ClinVar aggregate classification (germline): Uncertain significance (1 of 4 stars; one submission).

Submission:

Dasa
Classification: Uncertain significance. Last evaluated: 2025-04-05. Review status: criteria provided, single submitter. Criteria: DASA Assertion Criteria. Collection method: clinical testing. Allele origin: germline.
Comment: NM_002470.4(MYH3):c.467_469del (p.Phe156del) is an in-frame deletion predicted to remove phenylalanine at protein position 156 without shifting the reading frame. This variant is absent from population databases. The currently available literature and clinical evidence are not sufficient to establish a definitive association between this variant and the reported condition. Therefore, this variant is classified as a variant of uncertain significance.